The following is an entry in ClinVar:

ClinVar aggregate classification (germline): Uncertain significance (1 of 4 stars; one submission).

Conditions:
Charcot-Marie-Tooth disease type 2. Also called: Charcot-Marie-Tooth type 2. Identifiers: Orphanet 64746, MedGen C0270914, MONDO:0018993.

Submission:

Labcorp Genetics (formerly Invitae), Labcorp
Classification: Uncertain significance for Charcot-Marie-Tooth disease type 2. Last evaluated: 2019-02-19. Review status: criteria provided, single submitter. Criteria: Invitae Variant Classification Sherloc (09022015). Collection method: clinical testing. Allele origin: germline.
Comment: This variant has not been reported in the literature in individuals with MFN2-related conditions. In summary, the available evidence is currently insufficient to determine the role of this variant in disease. Therefore, it has been classified as a Variant of Uncertain Significance. Algorithms developed to predict the effect of missense changes on protein structure and function are either unavailable or do not agree on the potential impact of this missense change (SIFT: "Deleterious"; PolyPhen-2: "Benign"; Align-GVGD: "Class C35"). This variant is not present in population databases (ExAC no frequency). This sequence change replaces glutamic acid with aspartic acid at codon 230 of the MFN2 protein (p.Glu230Asp). The glutamic acid residue is highly conserved and there is a small physicochemical difference between glutamic acid and aspartic acid.

NM_014874.4(MFN2):c.690G>C (p.Glu230Asp)

Gene: MFN2 (mitofusin 2; plus strand). Cytogenetic location: 1p36.22.
Variant type: single nucleotide variant.
Coding change: c.690G>C on transcript NM_014874.4 (MANE Select); coding-DNA position 690, G replaced by C.
Protein change: p.Glu230Asp; replaces glutamic acid 230 with aspartic acid.
Molecular consequence: missense variant.
Genome position (GRCh38, 1-based): chr1:11,998,860, G>C. VCF-style: chr1-11998860-G-C. GRCh37 (hg19) VCF-style: chr1-12058917-G-C.
Other names: c.690G>C, p.Glu230Asp (NM_001127660.2); short protein forms E230D.
Identifiers: ClinVar variation 863499 (VCV000863499.9), dbSNP rs1569842685, ClinGen allele CA338438491.